The following is an entry in ClinVar:

NM_004415.4(DSP):c.3242A>T (p.Glu1081Val)

Gene: DSP (desmoplakin; plus strand). Cytogenetic location: 6p24.3.
Variant type: single nucleotide variant.
Coding change: c.3242A>T on transcript NM_004415.4 (MANE Select); coding-DNA position 3242, A replaced by T.
Protein change: p.Glu1081Val; replaces glutamic acid 1081 with valine.
Molecular consequence: missense variant.
Genome position (GRCh38, 1-based): chr6:7,579,432, A>T. VCF-style: chr6-7579432-A-T. GRCh37 (hg19) VCF-style: chr6-7579665-A-T.
Other names: c.3242A>T, p.Glu1081Val (NM_001008844.3, NM_001319034.2); short protein forms E1081V.
Identifiers: ClinVar variation 3386658 (VCV003386658.1).

ClinVar aggregate classification (germline): Uncertain significance (1 of 4 stars; one submission).

Conditions:
Arrhythmogenic cardiomyopathy with wooly hair and keratoderma. Also called: Carvajal syndrome; PALMOPLANTAR KERATODERMA WITH LEFT VENTRICULAR CARDIOMYOPATHY AND WOOLLY HAIR; Dilated cardiomyopathy with woolly hair and keratoderma; Arrhythmogenic cardiomyopathy with woolly hair and keratoderma. Identifiers: Orphanet 65282, MedGen C1854063, MONDO:0011581, OMIM 605676.

gnomAD v4.1: 3 of 1,614,178 alleles (0.00019%); highest among the groups gnomAD compares: Non-Finnish European, 0.00025%; no homozygotes.

Submission:

All of Us Research Program, National Institutes of Health
Classification: Uncertain significance for Arrhythmogenic cardiomyopathy with wooly hair and keratoderma. Last evaluated: 2024-05-14. Review status: criteria provided, single submitter. Criteria: ACMG Guidelines, 2015. Collection method: clinical testing. Allele origin: germline. Inheritance: Autosomal dominant inheritance. Observed: 1 variant allele, 1 heterozygote.
Comment: This missense variant replaces glutamic acid with valine at codon 1081 of the DSP protein. Computational prediction suggests that this variant may not impact protein structure and function (internally defined REVEL score threshold <= 0.5, PMID: 27666373). To our knowledge, functional studies have not been reported for this variant. This variant has not been reported in individuals affected with DSP-related disorders in the literature. This variant has not been identified in the general population by the Genome Aggregation Database (gnomAD). The available evidence is insufficient to determine the role of this variant in disease conclusively. Therefore, this variant is classified as a Variant of Uncertain Significance.

This study involves interpretation of variants in research participants for the purpose of population health screening. Participant phenotype was not available at the time of variant classification. Additional details can be found in publication PMID: 35346344, PMCID: PMC8962531